The following is an entry in ClinVar:

ClinVar aggregate classification (germline): Conflicting classifications of pathogenicity. Review status: criteria provided, conflicting classifications (1 of 4 stars). 4 submissions from 4 submitters: Uncertain significance (3); Likely benign (1). Last evaluated 2025-03-17.

Conditions:
GPR143-related disorder. Also called: GPR143-related condition.
Inborn genetic diseases. Identifiers: MedGen C0950123, MeSH D030342.

Allele frequency attached by ClinVar (database versions not stated): gnomAD exomes 0.00002 and 0.00004; ExAC 0.00004; gnomAD 0.00009; TOPMed 0.00012; 1000 Genomes Project 0.00026; ESP Exome Variant Server 0.00028; 1000 Genomes Project 30x 0.00042.

Submissions (4):

Labcorp Genetics (formerly Invitae), Labcorp
Classification: Uncertain significance. Last evaluated: 2025-03-17. Review status: criteria provided, single submitter. Criteria: Invitae Variant Classification Sherloc (09022015). Collection method: clinical testing. Allele origin: germline.
Comment: This sequence change replaces glycine, which is neutral and non-polar, with serine, which is neutral and polar, at codon 360 of the GPR143 protein (p.Gly360Ser). This variant is present in population databases (rs150179962, gnomAD 0.006%). This variant has not been reported in the literature in individuals affected with GPR143-related conditions. ClinVar contains an entry for this variant (Variation ID: 1441441). Invitae Evidence Modeling of protein sequence and biophysical properties (such as structural, functional, and spatial information, amino acid conservation, physicochemical variation, residue mobility, and thermodynamic stability) indicates that this missense variant is not expected to disrupt GPR143 protein function with a negative predictive value of 95%. In summary, the available evidence is currently insufficient to determine the role of this variant in disease. Therefore, it has been classified as a Variant of Uncertain Significance.

Blueprint Genetics
Classification: Likely benign. Last evaluated: 2023-10-20. Review status: criteria provided, single submitter. Criteria: ACMG Guidelines, 2015. Collection method: clinical testing. Allele origin: germline.

Ambry Genetics
Classification: Uncertain significance for Inborn genetic diseases. Last evaluated: 2023-03-01. Review status: criteria provided, single submitter. Criteria: Ambry Variant Classification Scheme 2023. Collection method: clinical testing. Allele origin: germline.

PreventionGenetics, part of Exact Sciences
Classification: Uncertain significance for GPR143-related condition. Last evaluated: 2023-02-02. Review status: criteria provided, single submitter. Criteria: ACMG Guidelines, 2015. Collection method: clinical testing. Allele origin: germline.
Comment: The GPR143 c.1078G>A variant is predicted to result in the amino acid substitution p.Gly360Ser. To our knowledge, this variant has not been reported in the literature. This variant is reported in 0.011% of alleles in individuals of African descent in gnomAD. At this time, the clinical significance of this variant is uncertain due to the absence of conclusive functional and genetic evidence.

NM_000273.3(GPR143):c.1078G>A (p.Gly360Ser)

Gene: GPR143 (G protein-coupled receptor 143; minus strand). Cytogenetic location: Xp22.2.
Variant type: single nucleotide variant.
Coding change: c.1078G>A on transcript NM_000273.3 (MANE Select); coding-DNA position 1078, G replaced by A.
Protein change: p.Gly360Ser; replaces glycine 360 with serine.
Molecular consequence: missense variant.
Genome position (GRCh38, 1-based): chrX:9,739,527, C>T on the plus strand (G>A on the coding strand, the complement: GPR143 is on the minus strand). VCF-style: chrX-9739527-C-T. GRCh37 (hg19) VCF-style: chrX-9707567-C-T.
Other names: c.1078G>A (NM_000273.2); short protein forms G360S.
Identifiers: ClinVar variation 1441441 (VCV001441441.11), dbSNP rs150179962, ClinGen allele CA10344895.